The following is an entry in ClinVar:

NM_001286611.2(REPS1):c.73A>G (p.Ser25Gly)

Gene: REPS1 (RALBP1 associated Eps domain containing 1; minus strand). Cytogenetic location: 6q24.1.
Variant type: single nucleotide variant.
Coding change: c.73A>G on transcript NM_001286611.2 (MANE Select); coding-DNA position 73, A replaced by G.
Protein change: p.Ser25Gly; replaces serine 25 with glycine.
Molecular consequence: missense variant.
Genome position (GRCh38, 1-based): chr6:138,987,610, T>C on the plus strand (A>G on the coding strand, the complement: REPS1 is on the minus strand). VCF-style: chr6-138987610-T-C. GRCh37 (hg19) VCF-style: chr6-139308747-T-C.
Other names: c.73A>G, p.Ser25Gly (NM_001128617.3, NM_001286612.2, NM_031922.5); short protein forms S25G.
Identifiers: ClinVar variation 1523620 (VCV001523620.6), dbSNP rs933995315, ClinGen allele CA148785178.

ClinVar aggregate classification (germline): Uncertain significance (1 of 4 stars; one submission).

Allele frequency attached by ClinVar (database versions not stated): gnomAD exomes 0.00001 and 0.00002.
gnomAD v4.1: 10 of 1,551,118 alleles (0.00064%); highest among the groups gnomAD compares: Middle Eastern, 0.067%; no homozygotes.

Submission:

Labcorp Genetics (formerly Invitae), Labcorp
Classification: Uncertain significance. Last evaluated: 2025-03-31. Review status: criteria provided, single submitter. Criteria: Invitae Variant Classification Sherloc (09022015). Collection method: clinical testing. Allele origin: germline.
Comment: This sequence change replaces serine, which is neutral and polar, with glycine, which is neutral and non-polar, at codon 25 of the REPS1 protein (p.Ser25Gly). This variant is present in population databases (no rsID available, gnomAD 0.002%). This variant has not been reported in the literature in individuals affected with REPS1-related conditions. ClinVar contains an entry for this variant (Variation ID: 1523620). Invitae Evidence Modeling of protein sequence and biophysical properties (such as structural, functional, and spatial information, amino acid conservation, physicochemical variation, residue mobility, and thermodynamic stability) indicates that this missense variant is not expected to disrupt REPS1 protein function with a negative predictive value of 80%. In summary, the available evidence is currently insufficient to determine the role of this variant in disease. Therefore, it has been classified as a Variant of Uncertain Significance.